The following is an entry in ClinVar:

NM_032217.5(ANKRD17):c.4074G>A (p.Trp1358Ter)

Gene: ANKRD17 (ankyrin repeat domain 17; minus strand). Cytogenetic location: 4q13.3.
Variant type: single nucleotide variant.
Coding change: c.4074G>A on transcript NM_032217.5 (MANE Select); coding-DNA position 4074, G replaced by A.
Protein change: p.Trp1358Ter; replaces tryptophan 1358 with a stop codon.
Molecular consequence: nonsense.
Genome position (GRCh38, 1-based): chr4:73,118,802, C>T on the plus strand (G>A on the coding strand, the complement: ANKRD17 is on the minus strand). VCF-style: chr4-73118802-C-T. GRCh37 (hg19) VCF-style: chr4-73984519-C-T.
Other names: c.3735G>A, p.Trp1245Ter (NM_001286771.3); c.4071G>A, p.Trp1357Ter (NM_015574.2); c.3321G>A, p.Trp1107Ter (NM_198889.3); short protein forms W1107*, W1245*, W1357*, W1358*.
Identifiers: ClinVar variation 1697300 (VCV001697300.1), dbSNP rs2148684659, ClinGen allele CA357212307.

ClinVar aggregate classification (germline): Likely pathogenic (1 of 4 stars; one submission).

Conditions:
Chopra-Amiel-Gordon syndrome (CAGS). Also called: ANKRD17-Related Neurodevelopmental Syndrome. Identifiers: MedGen C5561975, MONDO:0859186, OMIM 619504.

Submission:

Institute of Human Genetics, University of Leipzig Medical Center
Classification: Likely pathogenic for Chopra-Amiel-Gordon syndrome. Last evaluated: 2022-06-08. Review status: criteria provided, single submitter. Criteria: ACMG Guidelines, 2015. Collection method: clinical testing. Allele origin: unknown. Affected: yes.
Comment: _x000D_ Criteria applied: PVS1, PM2_SUP